The following is an entry in ClinVar:

NM_024426.6(WT1):c.694_699dup (p.Tyr233_Gly234insSerTyr)

Gene: WT1 (WT1 transcription factor; minus strand). Cytogenetic location: 11p13.
Variant type: Duplication.
Coding change: c.694_699dup on transcript NM_024426.6 (MANE Select); coding-DNA positions 694 to 699, 6 bases duplicated (AGCTAC; older notation c.694_699dupAGCTAC).
Protein change: p.Tyr233_Gly234insSerTyr.
Molecular consequence: inframe insertion. On other transcripts: inframe indel (7), non-coding transcript variant (1).
Genome position (GRCh38, 1-based): chr11:32,428,582-32,428,587, GTAGCT duplicated on the plus strand (AGCTAC on the coding strand, the reverse complement: WT1 is on the minus strand); duplicating any 6 consecutive bases within chr11:32,428,582-32,428,588 gives the same sequence; the c. name uses the placement nearest the transcript's 3' end. VCF-style (leftmost placement, unchanged base first): chr11-32428581-C-CGTAGCT. GRCh37 (hg19) VCF-style: chr11-32450127-C-CGTAGCT.
Other names: c.694_699dup, p.Tyr233_Gly234insSerTyr (NM_000378.6, NM_024424.5); c.42_47dup, p.Tyr16_Gly17insSerTyr (NM_001198551.2); c.43_48dup, p.Tyr16_Gly17insSerTyr (NM_001198552.2); c.693_698dup, p.Tyr233_Gly234insSerTyr (NM_001407044.1, NM_001407045.1, NM_001407046.1 and 2 more transcripts); c.-70_-65dup (NM_001407051.1); c.678_683dup, p.Tyr228_Gly229insSerTyr (NM_024425.2).
Identifiers: ClinVar variation 1020255 (VCV001020255.8), dbSNP rs1853147640, ClinGen allele CA1962323600.

ClinVar aggregate classification (germline): Uncertain significance (1 of 4 stars; one submission).

Conditions:
Wilms tumor 1 (WT1). Also called: Wilms tumor, somatic. Identifiers: Orphanet 654, MedGen CN033288, MONDO:0008679, OMIM 194070.
11p partial monosomy syndrome (WAGR). Also called: WAGR syndrome; CHROMOSOME 11p13 DELETION SYNDROME; WAGR Complex; WAGR Spectrum Disorder. Identifiers: Orphanet 893, MedGen C0206115, MONDO:0008681, OMIM 194072.
Frasier syndrome. Identifiers: Orphanet 347, MedGen C0950122, MeSH D052159, MONDO:0007635, OMIM 136680.
Drash syndrome (DDS). Also called: WILMS TUMOR AND PSEUDO- OR TRUE HERMAPHRODITISM; NEPHROPATHY, WILMS TUMOR, AND GENITAL ANOMALIES. Identifiers: Orphanet 220, MedGen C0950121, MONDO:0008682, OMIM 194080.

Submission:

Labcorp Genetics (formerly Invitae), Labcorp
Classification: Uncertain significance for Wilms tumor 1; Drash syndrome; 11p partial monosomy syndrome; Frasier syndrome. Last evaluated: 2021-08-27. Review status: criteria provided, single submitter. Criteria: Invitae Variant Classification Sherloc (09022015). Collection method: clinical testing. Allele origin: germline.
Comment: In summary, the available evidence is currently insufficient to determine the role of this variant in disease. Therefore, it has been classified as a Variant of Uncertain Significance. Experimental studies and prediction algorithms are not available or were not evaluated, and the functional significance of this variant is currently unknown. This variant has not been reported in the literature in individuals affected with WT1-related conditions. This variant is not present in population databases (ExAC no frequency). This variant, c.679_684dup, results in the insertion of 2 amino acid(s) to the WT1 protein (p.Ser227_Tyr228dup), but otherwise preserves the integrity of the reading frame.